The following is an entry in ClinVar:

NM_000179.3(MSH6):c.4027_4036del (p.Ser1343fs)

Gene: MSH6 (mutS homolog 6; plus strand). Cytogenetic location: 2p16.3.
Variant type: Deletion.
Coding change: c.4027_4036del on transcript NM_000179.3 (MANE Select); coding-DNA positions 4027 to 4036, 10 bases deleted (TCAACTGTAG; older notation c.4027_4036delTCAACTGTAG).
Protein change: p.Ser1343fs; shifts the reading frame from serine 1343.
Molecular consequence: frameshift variant. On other transcripts: 3 prime UTR variant (5), non-coding transcript variant (5).
Genome position (GRCh38, 1-based): chr2:47,806,804-47,806,813, TCAACTGTAG deleted; deleting any 10 consecutive bases within chr2:47,806,803-47,806,813 gives the same sequence; the c. name uses the placement nearest the transcript's 3' end. VCF-style (leftmost placement, unchanged base first): chr2-47806802-GGTCAACTGTA-G. GRCh37 (hg19) VCF-style: chr2-48033941-GGTCAACTGTA-G.
Other names: c.3637_3646del, p.Ser1213fs (NM_001281492.2); c.3121_3130del, p.Ser1041fs (NM_001281493.2, NM_001281494.2, NM_001406811.1 and 6 more transcripts); c.4123_4132del, p.Ser1375fs (NM_001406795.1); c.4027_4036del, p.Ser1343fs (NM_001406796.1, NM_001406809.1); c.3730_3739del, p.Ser1244fs (NM_001406797.1, NM_001406805.1, NM_001406818.1 and 8 more transcripts); c.3853_3862del, p.Ser1285fs (NM_001406798.1); c.3502_3511del, p.Ser1168fs (NM_001406799.1, NM_001406806.1, NM_001406807.1); c.*48_*57del (NM_001406800.1); and 9 more; short protein forms S1168fs, S1213fs, S1375fs, S270fs, S292fs, S1055fs, S1244fs, S1287fs.
Identifiers: ClinVar variation 3727235 (VCV003727235.2).

ClinVar aggregate classification (germline): Uncertain significance (1 of 4 stars; one submission).

Conditions:
Hereditary nonpolyposis colorectal neoplasms. Identifiers: MedGen C0009405, MeSH D003123.

Submission:

Labcorp Genetics (formerly Invitae), Labcorp
Classification: Uncertain significance for Hereditary nonpolyposis colorectal neoplasms. Last evaluated: 2024-12-13. Review status: criteria provided, single submitter. Criteria: Invitae Variant Classification Sherloc (09022015). Collection method: clinical testing. Allele origin: germline.
Comment: This sequence change creates a premature translational stop signal (p.Ser1343Metfs*9) in the MSH6 gene. While this is not anticipated to result in nonsense mediated decay, it is expected to disrupt the last 18 amino acid(s) of the MSH6 protein. This variant is not present in population databases (gnomAD no frequency). This variant has not been reported in the literature in individuals affected with MSH6-related conditions. Experimental studies and prediction algorithms are not available or were not evaluated, and the functional significance of this variant is currently unknown. In summary, the available evidence is currently insufficient to determine the role of this variant in disease. Therefore, it has been classified as a Variant of Uncertain Significance.